The following is an entry in ClinVar:

ClinVar aggregate classification (germline): Benign (1 of 4 stars; one submission).

gnomAD v4.1: 278 of 1,527,136 alleles (0.018%); highest among the groups gnomAD compares: African/African-American, 0.34%; no homozygotes.

Submission:

CeGaT Center for Human Genetics Tuebingen
Classification: Benign. Last evaluated: 2024-09-01. Review status: criteria provided, single submitter. Criteria: CeGaT Center For Human Genetics Tuebingen Variant Classification Criteria Version 2. Collection method: clinical testing. Allele origin: germline. Affected: yes. Observed: 1 variant allele.
Comment: AMZ1: BP4, BS1, BS2

NM_001384743.1(AMZ1):c.1463C>T (p.Ser488Leu)

Gene: AMZ1 (archaelysin family metallopeptidase 1; plus strand). Cytogenetic location: 7p22.3.
Variant type: single nucleotide variant.
Coding change: c.1463C>T on transcript NM_001384743.1 (MANE Select); coding-DNA position 1463, C replaced by T.
Protein change: p.Ser488Leu; replaces serine 488 with leucine.
Molecular consequence: missense variant. On other transcripts: 3 prime UTR variant (1), intron variant (4).
Genome position (GRCh38, 1-based): chr7:2,712,844, C>T. VCF-style: chr7-2712844-C-T. GRCh37 (hg19) VCF-style: chr7-2752478-C-T.
Other names: c.*399C>T (NM_001284355.4); c.1394C>T, p.Ser465Leu (NM_001384739.1); c.1463C>T, p.Ser488Leu (NM_133463.4); c.778+3028C>T (NM_001384742.1, NM_001384741.1); c.948+3028C>T (NM_001321766.2, NM_001384740.1); short protein forms S465L, S488L.
Identifiers: ClinVar variation 3388268 (VCV003388268.14).
Genomic context (GRCh38, chr7:2,712,844, plus strand): 5'-GGGACAAGTTCTCCTCCCTGAGGAGGAAGCTGAGTGCCCGAAAACTCGCCAGAGCAGAGT[C>T]GGCCCCCCGTCCCTGGGATGGGGAAGAGAGTTAGTACAGCAGGGGCTGCCCTACGTCTCC-3'
Protein context (NP_001371672.1, residues 478-498): LSARKLARAE[Ser488Leu]APRPWDGEES